The following is an entry in ClinVar:

NM_003640.5(ELP1):c.3578del (p.Ser1193fs)

Gene: ELP1 (elongator acetyltransferase complex subunit 1; minus strand). Cytogenetic location: 9q31.3.
Variant type: Deletion.
Coding change: c.3578del on transcript NM_003640.5 (MANE Select); coding-DNA position 3578, one base deleted (C; older notation c.3578delC).
Protein change: p.Ser1193fs; shifts the reading frame from serine 1193.
Molecular consequence: frameshift variant.
Genome position (GRCh38, 1-based): chr9:108,878,745, G deleted on the plus strand (C on the coding strand, the reverse complement: ELP1 is on the minus strand). VCF-style (leftmost placement, unchanged base first): chr9-108878744-TG-T. GRCh37 (hg19) VCF-style: chr9-111641024-TG-T.
Other names: c.3578delC (NM_003640.4); c.3236del, p.Ser1079fs (NM_001318360.2); c.2531del, p.Ser844fs (NM_001330749.2); short protein forms S1193fs, S1079fs, S844fs.
Identifiers: ClinVar variation 1929415 (VCV001929415.6), dbSNP rs1827798347, ClinGen allele CA1871327650.

ClinVar aggregate classification (germline): Pathogenic/Likely pathogenic. Review status: criteria provided, multiple submitters, no conflicts (2 of 4 stars). 2 submissions from 2 submitters: Pathogenic (1); Likely pathogenic (1). Last evaluated 2025-12-03.

Conditions:
Familial dysautonomia. Also called: HSAN III; FD. Identifiers: Orphanet 1764, MedGen C0013364, MONDO:0009131, OMIM 223900. Disease mechanism: loss of function.

Allele frequency attached by ClinVar (database versions not stated): gnomAD exomes below 0.00001; TOPMed below 0.00001.

Submissions (2):

Natera, Inc.
Classification: Likely pathogenic for Familial dysautonomia. Last evaluated: 2025-12-03. Review status: criteria provided, single submitter. Criteria: Natera Variant Classification Schema (03/2026). Collection method: clinical testing. Allele origin: germline.
Comment: The c.3578delC variant in ELP1 is a frameshift variant predicted to shift the reading frame beginning at codon 1193 and leads to a stop codon 30 codons downstream. This variant is expected to result in nonsense mediated decay, truncation, or a dysfunctional protein product. This variant is rare in the general population with a frequency below the threshold expected for the associated phenotype(s). Given the available evidence, this variant is classified as Likely Pathogenic.

Labcorp Genetics (formerly Invitae), Labcorp
Classification: Pathogenic. Last evaluated: 2024-02-05. Review status: criteria provided, single submitter. Criteria: Invitae Variant Classification Sherloc (09022015). Collection method: clinical testing. Allele origin: germline.
Comment: This sequence change creates a premature translational stop signal (p.Ser1193Tyrfs*30) in the ELP1 gene. It is expected to result in an absent or disrupted protein product. Loss-of-function variants in ELP1 are known to be pathogenic (PMID: 18303054, 24173031). This variant is not present in population databases (gnomAD no frequency). This premature translational stop signal has been observed in individual(s) with medulloblastoma (PMID: 32296180). ClinVar contains an entry for this variant (Variation ID: 1929415). For these reasons, this variant has been classified as Pathogenic.

Literature cited by the submitters: PubMed 18303054 (cited by Labcorp Genetics (formerly Invitae), Labcorp); PubMed 24173031 (cited by Labcorp Genetics (formerly Invitae), Labcorp); PubMed 32296180 (cited by Labcorp Genetics (formerly Invitae), Labcorp).